The following is an entry in ClinVar:

ClinVar aggregate classification (germline): Uncertain significance. Review status: criteria provided, multiple submitters, no conflicts (2 of 4 stars). 3 submissions from 3 submitters: Uncertain significance (3). Last evaluated 2025-04-29.

Conditions:
Hereditary cancer-predisposing syndrome. Also called: Tumor predisposition; Neoplastic Syndromes, Hereditary; Hereditary Cancer Syndrome; Hereditary neoplastic syndrome. Identifiers: Orphanet 140162, MedGen C0027672, MeSH D009386, MONDO:0015356.
Ataxia-telangiectasia syndrome (AT). Also called: ATAXIA-TELANGIECTASIA, FRESNO VARIANT; Ataxia-telangiectasia, complementation group D; AT, COMPLEMENTATION GROUP C; Ataxia-telangiectasia; Ataxia-telangiectasia, complementation group E; Ataxia telangiectasia (A-T). Identifiers: Orphanet 100, MedGen C0004135, MONDO:0008840, OMIM 208900.

Submissions (3):

Labcorp Genetics (formerly Invitae), Labcorp
Classification: Uncertain significance for Ataxia-telangiectasia syndrome. Last evaluated: 2025-04-29. Review status: criteria provided, single submitter. Criteria: Invitae Variant Classification Sherloc (09022015). Collection method: clinical testing. Allele origin: germline.
Comment: This sequence change replaces leucine, which is neutral and non-polar, with valine, which is neutral and non-polar, at codon 5 of the ATM protein (p.Leu5Val). This variant is not present in population databases (gnomAD no frequency). This variant has not been reported in the literature in individuals affected with ATM-related conditions. ClinVar contains an entry for this variant (Variation ID: 1059654). Invitae Evidence Modeling of protein sequence and biophysical properties (such as structural, functional, and spatial information, amino acid conservation, physicochemical variation, residue mobility, and thermodynamic stability) indicates that this missense variant is not expected to disrupt ATM protein function with a negative predictive value of 95%. In summary, the available evidence is currently insufficient to determine the role of this variant in disease. Therefore, it has been classified as a Variant of Uncertain Significance.

Ambry Genetics
Classification: Uncertain significance for Hereditary cancer-predisposing syndrome. Last evaluated: 2025-03-24. Review status: criteria provided, single submitter. Criteria: Ambry Variant Classification Scheme 2023. Collection method: clinical testing. Allele origin: germline.
Comment: The p.L5V variant (also known as c.13C>G), located in coding exon 1 of the ATM gene, results from a C to G substitution at nucleotide position 13. The leucine at codon 5 is replaced by valine, an amino acid with highly similar properties. This amino acid position is highly conserved in available vertebrate species. In addition, this alteration is predicted to be tolerated by in silico analysis. Based on the available evidence, the clinical significance of this variant remains unclear.

GeneDx
Classification: Uncertain significance. Last evaluated: 2024-06-02. Review status: criteria provided, single submitter. Criteria: GeneDx Variant Classification Process June 2021. Collection method: clinical testing. Allele origin: germline. Affected: yes.
Comment: Not observed at significant frequency in large population cohorts (gnomAD); In silico analysis indicates that this missense variant does not alter protein structure/function; Has not been previously published as pathogenic or benign to our knowledge

NM_000051.4(ATM):c.13C>G (p.Leu5Val)

Gene: ATM (ATM serine/threonine kinase; plus strand). Cytogenetic location: 11q22.3.
Variant type: single nucleotide variant.
Coding change: c.13C>G on transcript NM_000051.4 (MANE Select); coding-DNA position 13, C replaced by G.
Protein change: p.Leu5Val; replaces leucine 5 with valine.
Molecular consequence: missense variant.
Genome position (GRCh38, 1-based): chr11:108,227,637, C>G. VCF-style: chr11-108227637-C-G. GRCh37 (hg19) VCF-style: chr11-108098364-C-G.
Other names: c.13C>G, p.Leu5Val (NM_001351834.2, NM_001351835.2, NM_001351836.2); c.13C>G (NM_000051.3); short protein forms L5V.
Identifiers: ClinVar variation 1059654 (VCV001059654.7), dbSNP rs2078805774, ClinGen allele CA382518964.
Genomic context (GRCh38, chr11:108,227,637, plus strand): 5'-TATGTATTTTTTTTACAGACAGTGATGTGTGTTCTGAAATTGTGAACCATGAGTCTAGTA[C>G]TTAATGATCTGCTTATCTGCTGCCGTCAACTAGAACATGATAGAGCTACAGAACGAAAGG-3'
Protein context (NP_000042.3, residues 1-15): MSLV[Leu5Val]NDLLICCRQL